The following is an entry in ClinVar:

NC_000002.11:g.(?_175427275)_(175450301_?)dup

Gene: WIPF1 (WAS/WASL interacting protein family member 1; minus strand). Cytogenetic location: 2q31.1.
Variant type: Duplication.
Identifiers: ClinVar variation 3247396 (VCV003247396.1).

ClinVar aggregate classification (germline): Uncertain significance (1 of 4 stars; one submission).

Conditions:
Wiskott-Aldrich syndrome 2 (WAS2). Also called: WIPF1 DEFICIENCY. Identifiers: Orphanet 906, MedGen C3281001, MONDO:0013779, OMIM 614493.

Submission:

Labcorp Genetics (formerly Invitae), Labcorp
Classification: Uncertain significance for Wiskott-Aldrich syndrome 2. Last evaluated: 2023-10-05. Review status: criteria provided, single submitter. Criteria: Invitae Variant Classification Sherloc (09022015). Collection method: clinical testing. Allele origin: unknown.
Comment: A copy number gain of the genomic region encompassing the full coding sequence of the WIPF1 gene has been identified. The boundaries of this event are unknown as they extend beyond the assayed region for this gene and therefore may encompass additional genes. As the precise location of this event is unknown, it may be in tandem or it may be located elsewhere in the genome. This variant has not been reported in the literature in individuals affected with WIPF1-related conditions. In summary, the available evidence is currently insufficient to determine the role of this variant in disease. Therefore, it has been classified as a Variant of Uncertain Significance.